The following is an entry in ClinVar:

NM_203447.4(DOCK8):c.2696G>A (p.Arg899Gln)

Gene: DOCK8 (dedicator of cytokinesis 8; plus strand). Cytogenetic location: 9p24.3.
Variant type: single nucleotide variant.
Coding change: c.2696G>A on transcript NM_203447.4 (MANE Select); coding-DNA position 2696, G replaced by A.
Protein change: p.Arg899Gln; replaces arginine 899 with glutamine.
Molecular consequence: missense variant.
Genome position (GRCh38, 1-based): chr9:382,603, G>A. VCF-style: chr9-382603-G-A. GRCh37 (hg19) VCF-style: chr9-382603-G-A.
Other names: c.2492G>A, p.Arg831Gln (NM_001190458.2, NM_001193536.2); short protein forms R899Q, R831Q.
Identifiers: ClinVar variation 3730597 (VCV003730597.2).

ClinVar aggregate classification (germline): Uncertain significance (1 of 4 stars; one submission).

Conditions:
Combined immunodeficiency due to DOCK8 deficiency (HIES2). Also called: HIES autosomal recessive; HYPER-IgE RECURRENT INFECTION SYNDROME 2, AUTOSOMAL RECESSIVE; DOCK8 Deficiency; HYPER-IgE SYNDROME 2, AUTOSOMAL RECESSIVE, WITH RECURRENT INFECTIONS; Hyper-IgE recurrent infection syndrome, autosomal recessive. Identifiers: Orphanet 217390, MedGen C4722305, MONDO:0009478, OMIM 243700.

gnomAD v4.1: 14 of 1,614,152 alleles (0.00087%); highest among the groups gnomAD compares: East Asian, 0.0022%; no homozygotes.

Submission:

Labcorp Genetics (formerly Invitae), Labcorp
Classification: Uncertain significance for Combined immunodeficiency due to DOCK8 deficiency. Last evaluated: 2024-04-06. Review status: criteria provided, single submitter. Criteria: Invitae Variant Classification Sherloc (09022015). Collection method: clinical testing. Allele origin: germline.
Comment: This sequence change replaces arginine, which is basic and polar, with glutamine, which is neutral and polar, at codon 899 of the DOCK8 protein (p.Arg899Gln). This variant is present in population databases (rs545262461, gnomAD 0.003%). This variant has not been reported in the literature in individuals affected with DOCK8-related conditions. Advanced modeling of protein sequence and biophysical properties (such as structural, functional, and spatial information, amino acid conservation, physicochemical variation, residue mobility, and thermodynamic stability) performed at Invitae indicates that this missense variant is not expected to disrupt DOCK8 protein function with a negative predictive value of 80%. In summary, the available evidence is currently insufficient to determine the role of this variant in disease. Therefore, it has been classified as a Variant of Uncertain Significance.